The following is an entry in ClinVar:

NM_001999.4(FBN2):c.952+11C>T

Gene: FBN2 (fibrillin 2; minus strand). Cytogenetic location: 5q23.3.
Variant type: single nucleotide variant.
Coding change: c.952+11C>T on transcript NM_001999.4 (MANE Select); 11 bases into the intron after coding-DNA position 952, C replaced by T.
Molecular consequence: intron variant.
Genome position (GRCh38, 1-based): chr5:128,446,470, G>A on the plus strand (C>T on the coding strand, the complement: FBN2 is on the minus strand). VCF-style: chr5-128446470-G-A. GRCh37 (hg19) VCF-style: chr5-127782163-G-A.
Identifiers: ClinVar variation 514464 (VCV000514464.1), dbSNP rs1157854895, ClinGen allele CA562720979.

ClinVar aggregate classification (germline): Likely benign (1 of 4 stars; one submission).

Allele frequency attached by ClinVar (database versions not stated): gnomAD exomes below 0.00001.
gnomAD v4.1: 2 of 1,613,252 alleles (0.00012%); highest among the groups gnomAD compares: Admixed American, 0.0017%; no homozygotes.

Submission:

GeneDx
Classification: Likely benign. Last evaluated: 2018-01-02. Review status: criteria provided, single submitter. Criteria: GeneDx Variant Classification (06012015). Collection method: clinical testing. Allele origin: germline. Affected: yes.
Comment: This variant is considered likely benign or benign based on one or more of the following criteria: it is a conservative change, it occurs at a poorly conserved position in the protein, it is predicted to be benign by multiple in silico algorithms, and/or has population frequency not consistent with disease.